The following is an entry in ClinVar:

ClinVar aggregate classification (germline): Pathogenic/Likely pathogenic. Review status: criteria provided, multiple submitters, no conflicts (2 of 4 stars). 2 submissions from 2 submitters: Pathogenic (1); Likely pathogenic (1). Last evaluated 2022-07-18.

Conditions:
DICER1-related tumor predisposition. Also called: DICER1-related pleuropulmonary blastoma cancer predisposition syndrome; DICER1 syndrome. Identifiers: Orphanet 284343, MedGen C3839822, MONDO:0100216.

Submissions (2):

Labcorp Genetics (formerly Invitae), Labcorp
Classification: Pathogenic for DICER1-related tumor predisposition. Last evaluated: 2022-07-18. Review status: criteria provided, single submitter. Criteria: Invitae Variant Classification Sherloc (09022015). Collection method: clinical testing. Allele origin: germline.
Comment: For these reasons, this variant has been classified as Pathogenic. ClinVar contains an entry for this variant (Variation ID: 690482). This variant has not been reported in the literature in individuals affected with DICER1-related conditions. This variant is not present in population databases (gnomAD no frequency). This sequence change creates a premature translational stop signal (p.Glu1797Lysfs*40) in the DICER1 gene. It is expected to result in an absent or disrupted protein product. Loss-of-function variants in DICER1 are known to be pathogenic (PMID: 19556464, 21266384).

PreventionGenetics, part of Exact Sciences
Classification: Likely pathogenic. Last evaluated: 2018-02-19. Review status: criteria provided, single submitter. Criteria: ACMG Guidelines, 2015. Collection method: clinical testing. Allele origin: germline.

Literature cited by the submitters: PubMed 19556464 (cited by Labcorp Genetics (formerly Invitae), Labcorp); PubMed 21266384 (cited by Labcorp Genetics (formerly Invitae), Labcorp).

NM_177438.3(DICER1):c.5389_5392del (p.Glu1797fs)

Gene: DICER1 (dicer 1, ribonuclease III; minus strand). Cytogenetic location: 14q32.13.
Variant type: Deletion.
Coding change: c.5389_5392del on transcript NM_177438.3 (MANE Select); coding-DNA positions 5389 to 5392, 4 bases deleted (GAGA; older notation c.5389_5392delGAGA).
Protein change: p.Glu1797fs; shifts the reading frame from glutamic acid 1797.
Molecular consequence: frameshift variant. On other transcripts: intron variant (1).
Genome position (GRCh38, 1-based): chr14:95,091,338-95,091,341, TCTC deleted on the plus strand (GAGA on the coding strand, the reverse complement: DICER1 is on the minus strand); deleting any 4 consecutive bases within chr14:95,091,338-95,091,342 gives the same sequence; the c. name uses the placement nearest the transcript's 3' end. VCF-style (leftmost placement, unchanged base first): chr14-95091337-TTCTC-T. GRCh37 (hg19) VCF-style: chr14-95557674-TTCTC-T.
Other names: c.5389_5392del, p.Glu1797fs (NM_001271282.3, NM_001291628.2, NM_030621.4); c.5365-232_5365-229del (NM_001195573.1); c.5389_5392delGAGA (NM_030621.4); short protein forms E1797fs.
Identifiers: ClinVar variation 690482 (VCV000690482.6), dbSNP rs1595315137, ClinGen allele CA915946398.
Genomic context (GRCh38, chr14:95,091,337, plus strand): 5'-GCACCAGCAAGCGACTCAAAAATATCCCCCATGGCCTTTGGAACTTCAATATCCTCTTCT[TTCTC>T]TTCATCCTCCTCAGATCTCCTAAGCTATTACAGAGGGAAAAGTGACTTGTAAGCAAAAAG-3'